The following is an entry in ClinVar:

ClinVar aggregate classification (germline): Pathogenic (1 of 4 stars; one submission).

Conditions:
Familial adenomatous polyposis 1 (FAP1). Also called: FAMILIAL ADENOMATOUS POLYPOSIS 1, ATTENUATED; POLYPOSIS, ADENOMATOUS INTESTINAL. Identifiers: MedGen C2713442, MONDO:0021056, OMIM 175100. Disease mechanism: loss of function.

Submission:

Labcorp Genetics (formerly Invitae), Labcorp
Classification: Pathogenic for Familial adenomatous polyposis 1. Last evaluated: 2019-06-15. Review status: criteria provided, single submitter. Criteria: Invitae Variant Classification Sherloc (09022015). Collection method: clinical testing. Allele origin: germline.
Comment: This variant is expected to disrupt the EB1 and HDLG binding sites, which mediate interactions with the cytoskeleton (PMID: 15311282, 17293347). While functional studies have not been performed to directly test the effect on APC protein function, this suggests that disruption of the C-terminal portion of the protein is functionally important. For these reasons, this variant has been classified as Pathogenic. A different truncation (p.Tyr2645Lysfs*14) that lies downstream of this variant has been determined to be pathogenic (PMID: 9824584, 1316610, 27081525, 8381579, 22135120, Invitae). This suggests that deletion of this region of the APC protein is causative of disease This variant has not been reported in the literature in individuals with APC-related conditions. This variant is not present in population databases (ExAC no frequency). This sequence change results in a premature translational stop signal in the APC gene (p.Leu2643*). While this is not anticipated to result in nonsense mediated decay, it is expected to disrupt the last 201 amino acids of the APC protein.

Literature cited by the submitters: PubMed 15311282; PubMed 17293347; PubMed 9824584; PubMed 1316610; PubMed 27081525; PubMed 8381579; PubMed 22135120.

NM_000038.6(APC):c.7927_7933delinsTA (p.Leu2643_Tyr2645delinsTer)

Gene: APC (APC regulator of Wnt signaling pathway; plus strand). Cytogenetic location: 5q22.2.
Variant type: Indel.
Coding change: c.7927_7933delinsTA on transcript NM_000038.6 (MANE Select); coding-DNA positions 7927 to 7933, CTAATTT replaced by TA.
Protein change: p.Leu2643_Tyr2645delinsTer.
Molecular consequence: nonsense.
Genome position (GRCh38, 1-based): chr5:112,843,521-112,843,527, CTAATTT replaced by TA. VCF-style: chr5-112843521-CTAATTT-TA. GRCh37 (hg19) VCF-style: chr5-112179218-CTAATTT-TA.
Other names: c.7927_7933delinsTA, p.Leu2643_Tyr2645delinsTer (NM_001127510.3, NM_001354895.2); c.7873_7879delinsTA, p.Leu2625_Tyr2627delinsTer (NM_001127511.3); c.7981_7987delinsTA, p.Leu2661_Tyr2663delinsTer (NM_001354896.2); c.7957_7963delinsTA, p.Leu2653_Tyr2655delinsTer (NM_001354897.2); c.7852_7858delinsTA, p.Leu2618_Tyr2620delinsTer (NM_001354898.2); c.7843_7849delinsTA, p.Leu2615_Tyr2617delinsTer (NM_001354899.2); c.7804_7810delinsTA, p.Leu2602_Tyr2604delinsTer (NM_001354900.2); c.7750_7756delinsTA, p.Leu2584_Tyr2586delinsTer (NM_001354901.2); and 5 more.
Identifiers: ClinVar variation 970360 (VCV000970360.6), dbSNP rs1766601813, ClinGen allele CA1139659006.